The following is an entry in ClinVar:

ClinVar aggregate classification (germline): Pathogenic/Likely pathogenic. Review status: criteria provided, multiple submitters, no conflicts (2 of 4 stars). 3 submissions from 3 submitters: Pathogenic (2); Likely pathogenic (1). Last evaluated 2022-04-14.

Conditions:
DICER1-related tumor predisposition. Also called: DICER1-related pleuropulmonary blastoma cancer predisposition syndrome; DICER1 syndrome. Identifiers: Orphanet 284343, MedGen C3839822, MONDO:0100216.
Hereditary cancer-predisposing syndrome. Also called: Tumor predisposition; Neoplastic Syndromes, Hereditary; Hereditary Cancer Syndrome; Hereditary neoplastic syndrome. Identifiers: Orphanet 140162, MedGen C0027672, MeSH D009386, MONDO:0015356.

Submissions (3):

Ambry Genetics
Classification: Pathogenic for Hereditary cancer-predisposing syndrome. Last evaluated: 2022-04-14. Review status: criteria provided, single submitter. Criteria: Ambry Variant Classification Scheme 2023. Collection method: clinical testing. Allele origin: germline.
Comment: The c.1029dupA pathogenic mutation, located in coding exon 7 of the DICER1 gene, results from a duplication of A at nucleotide position 1029, causing a translational frameshift with a predicted alternate stop codon (p.F344Ifs*17). This variant is considered to be rare based on population cohorts in the Genome Aggregation Database (gnomAD). This alteration is expected to result in loss of function by premature protein truncation or nonsense-mediated mRNA decay. As such, this alteration is interpreted as a disease-causing mutation.

Labcorp Genetics (formerly Invitae), Labcorp
Classification: Pathogenic for DICER1-related tumor predisposition. Last evaluated: 2019-07-04. Review status: criteria provided, single submitter. Criteria: Invitae Variant Classification Sherloc (09022015). Collection method: clinical testing. Allele origin: germline.
Comment: This variant is not present in population databases (ExAC no frequency). For these reasons, this variant has been classified as Pathogenic. Loss-of-function variants in DICER1 are known to be pathogenic (PMID: 19556464, 21266384). This variant has not been reported in the literature in individuals with DICER1-related conditions. ClinVar contains an entry for this variant (Variation ID: 477022). This sequence change creates a premature translational stop signal (p.Phe344Ilefs*17) in the DICER1 gene. It is expected to result in an absent or disrupted protein product.

PreventionGenetics, part of Exact Sciences
Classification: Likely pathogenic. Last evaluated: 2017-10-19. Review status: criteria provided, single submitter. Criteria: ACMG Guidelines, 2015. Collection method: clinical testing. Allele origin: germline.

Literature cited by the submitters: PubMed 19556464 (cited by Labcorp Genetics (formerly Invitae), Labcorp); PubMed 21266384 (cited by Labcorp Genetics (formerly Invitae), Labcorp).

NM_177438.3(DICER1):c.1029dup (p.Phe344fs)

Gene: DICER1 (dicer 1, ribonuclease III; minus strand). Cytogenetic location: 14q32.13.
Variant type: Duplication.
Coding change: c.1029dup on transcript NM_177438.3 (MANE Select); coding-DNA position 1029, one base duplicated (A; older notation c.1029dupA).
Protein change: p.Phe344fs; shifts the reading frame from phenylalanine 344.
Molecular consequence: frameshift variant.
Genome position (GRCh38, 1-based): chr14:95,124,543, T duplicated on the plus strand (A on the coding strand, the reverse complement: DICER1 is on the minus strand); the first of 3 consecutive T bases (chr14:95,124,543-95,124,545); duplicating any one gives the same sequence. VCF-style (leftmost placement, unchanged base first): chr14-95124542-A-AT. GRCh37 (hg19) VCF-style: chr14-95590879-A-AT.
Other names: c.1029dupA (NM_030621.4, NM_177438.2); c.1029dup, p.Phe344fs (NM_001195573.1, NM_001271282.3, NM_001291628.2 and 1 more transcripts); short protein forms F344fs.
Identifiers: ClinVar variation 477022 (VCV000477022.13), dbSNP rs1555374772, ClinGen allele CA658656456.
Genomic context (GRCh38, chr14:95,124,542, plus strand): 5'-AGAAGTGCTCTTCACATAGTGCATGTATTTTCCTTAGGAAAGTGTCTGTAAACAATAAAA[A>AT]TTTCCTGTGCAGCTCCTCTTGCTCATGTTTGATGTATTTCTGTAGTTCTCTTACCATCAT-3'